The following is an entry in ClinVar:

NM_000166.6(GJB1):c.113T>G (p.Val38Gly)

Gene: GJB1 (gap junction protein beta 1; plus strand). Cytogenetic location: Xq13.1.
Variant type: single nucleotide variant.
Coding change: c.113T>G on transcript NM_000166.6 (MANE Select); coding-DNA position 113, T replaced by G.
Protein change: p.Val38Gly; replaces valine 38 with glycine.
Molecular consequence: missense variant.
Genome position (GRCh38, 1-based): chrX:71,223,820, T>G. VCF-style: chrX-71223820-T-G. GRCh37 (hg19) VCF-style: chrX-70443670-T-G.
Other names: c.113T>G, p.Val38Gly (NM_001097642.3); short protein forms V38G.
Identifiers: ClinVar variation 216292 (VCV000216292.9), dbSNP rs863224612, ClinGen allele CA338636.

ClinVar aggregate classification (germline): Conflicting classifications of pathogenicity. Review status: criteria provided, conflicting classifications (1 of 4 stars). 2 submissions from 2 submitters: Likely pathogenic (1); Uncertain significance (1). Last evaluated 2022-11-08.

Conditions:
Charcot-Marie-Tooth Neuropathy X. Identifiers: MedGen CN118851.

Submissions (2):

Labcorp Genetics (formerly Invitae), Labcorp
Classification: Uncertain significance for Charcot-Marie-Tooth Neuropathy X. Last evaluated: 2022-11-08. Review status: criteria provided, single submitter. Criteria: Invitae Variant Classification Sherloc (09022015). Collection method: clinical testing. Allele origin: germline.
Comment: In summary, the available evidence is currently insufficient to determine the role of this variant in disease. Therefore, it has been classified as a Variant of Uncertain Significance. This variant disrupts the p.Val38 amino acid residue in GJB1. Other variant(s) that disrupt this residue have been determined to be pathogenic (PMID: 7833935, 9354338, 9888385, 10400511, 10521546, 12111842, 12457340, 12460545). This suggests that this residue is clinically significant, and that variants that disrupt this residue are likely to be disease-causing. Advanced modeling of protein sequence and biophysical properties (such as structural, functional, and spatial information, amino acid conservation, physicochemical variation, residue mobility, and thermodynamic stability) performed at Invitae indicates that this missense variant is expected to disrupt GJB1 protein function. ClinVar contains an entry for this variant (Variation ID: 216292). This missense change has been observed in individual(s) with Charcot-Marie-Tooth disease (Invitae). This variant is not present in population databases (gnomAD no frequency). This sequence change replaces valine, which is neutral and non-polar, with glycine, which is neutral and non-polar, at codon 38 of the GJB1 protein (p.Val38Gly).

GeneDx
Classification: Likely pathogenic. Last evaluated: 2015-09-17. Review status: criteria provided, single submitter. Criteria: GeneDx Variant Classification (06012015). Collection method: clinical testing. Allele origin: germline. Affected: yes.
Comment: The V38G variant has not been published as a pathogenic variant, nor has it been reported as a benign variant to our knowledge. However, different amino acid substitutions at this same position (V38M/A) and many missense variants in nearby residues (I33N, M34V/K/T, V35M, L36P, V37L/M, A39P/G/V, A40T/V) have been reported in the Human Gene Mutation Database in association with CMT neuropathy (Stenson et al., 2014), supporting the functional importance of this region of the protein. V38G was not observed in approximately 6,500 individuals of European and African American ancestry in the NHLBI Exome Sequencing Project, indicating it is not a common benign variant in these populations. In silico analysis predicts this variant is probably damaging to the protein structure/function. However, the V38G variant is a conservative amino acid substitution, which is not likely to impact secondary protein structure as these residues share similar properties, and this substitution occurs at a position where amino acids with similar properties to Valine are tolerated across species. Therefore, this variant is a strong candidate for a pathogenic variant, however the possibility that it is a benign variant cannot be excluded.

Literature cited by the submitters: PubMed 7833935 (cited by Labcorp Genetics (formerly Invitae), Labcorp); PubMed 9354338 (cited by Labcorp Genetics (formerly Invitae), Labcorp); PubMed 9888385 (cited by Labcorp Genetics (formerly Invitae), Labcorp); PubMed 10400511 (cited by Labcorp Genetics (formerly Invitae), Labcorp); PubMed 10521546 (cited by Labcorp Genetics (formerly Invitae), Labcorp); PubMed 12111842 (cited by Labcorp Genetics (formerly Invitae), Labcorp); PubMed 12457340 (cited by Labcorp Genetics (formerly Invitae), Labcorp); PubMed 12460545 (cited by Labcorp Genetics (formerly Invitae), Labcorp).